The following is an entry in ClinVar:

NM_001849.4(COL6A2):c.2851G>T (p.Val951Phe)

Gene: COL6A2 (collagen type VI alpha 2 chain; plus strand). Cytogenetic location: 21q22.3.
Variant type: single nucleotide variant.
Coding change: c.2851G>T on transcript NM_001849.4 (MANE Select); coding-DNA position 2851, G replaced by T.
Protein change: p.Val951Phe; replaces valine 951 with phenylalanine.
Molecular consequence: missense variant.
Genome position (GRCh38, 1-based): chr21:46,132,343, G>T. VCF-style: chr21-46132343-G-T. GRCh37 (hg19) VCF-style: chr21-47552257-G-T.
Other names: c.2851G>T (NM_001849.3); short protein forms V951F.
Identifiers: ClinVar variation 1053785 (VCV001053785.12), dbSNP rs111630733, ClinGen allele CA10073055.

ClinVar aggregate classification (germline): Uncertain significance. Review status: criteria provided, multiple submitters, no conflicts (2 of 4 stars). 2 submissions from 2 submitters: Uncertain significance (2). Last evaluated 2025-09-01.

Conditions:
COL6A2-related disorder.
Bethlem myopathy 1A. Also called: MYOPATHY, BENIGN CONGENITAL, WITH CONTRACTURES; Bethlem myopathy 1; Bethlem Muscular Dystrophy. Identifiers: Orphanet 610, MedGen CN029274, MONDO:0024530, OMIM 158810.
Ullrich congenital muscular dystrophy 1A. Also called: Ullrich congenital muscular dystrophy 1; Intermediate COL6-RD. Identifiers: Orphanet 75840, MedGen C0410179, MONDO:0009681, OMIM 254090.

gnomAD v4.1: 51 of 1,608,084 alleles (0.0032%); highest among the groups gnomAD compares: Non-Finnish European, 0.0041%; no homozygotes.

Submissions (2):

Labcorp Genetics (formerly Invitae), Labcorp
Classification: Uncertain significance for Bethlem myopathy 1A. Last evaluated: 2025-09-01. Review status: criteria provided, single submitter. Criteria: Invitae Variant Classification Sherloc (09022015). Collection method: clinical testing. Allele origin: germline.
Comment: This sequence change replaces valine, which is neutral and non-polar, with phenylalanine, which is neutral and non-polar, at codon 951 of the COL6A2 protein (p.Val951Phe). This variant is present in population databases (rs111630733, gnomAD 0.004%). This variant has not been reported in the literature in individuals affected with COL6A2-related conditions. ClinVar contains an entry for this variant (Variation ID: 1053785). Invitae Evidence Modeling of protein sequence and biophysical properties (such as structural, functional, and spatial information, amino acid conservation, physicochemical variation, residue mobility, and thermodynamic stability) indicates that this missense variant is not expected to disrupt COL6A2 protein function with a negative predictive value of 80%. In summary, the available evidence is currently insufficient to determine the role of this variant in disease. Therefore, it has been classified as a Variant of Uncertain Significance.

PreventionGenetics, part of Exact Sciences
Classification: Uncertain significance for COL6A2-related condition. Last evaluated: 2025-02-26. Review status: criteria provided, single submitter. Criteria: ACMG Guidelines, 2015. Collection method: clinical testing. Allele origin: germline.
Comment: The COL6A2 c.2851G>T variant is predicted to result in the amino acid substitution p.Val951Phe. To our knowledge, this variant has not been reported in the literature. This variant is reported in 0.0036% of alleles in individuals of European (Non-Finnish) descent in gnomAD. At this time, the clinical significance of this variant is uncertain due to the absence of conclusive functional and genetic evidence.